The following is an entry in ClinVar:

ClinVar aggregate classification (germline): Uncertain significance (1 of 4 stars; one submission).

Allele frequency attached by ClinVar (database versions not stated): gnomAD 0.00001; gnomAD exomes 0.00001; ExAC 0.00002; TOPMed 0.00003; 1000 Genomes Project 30x 0.00016; 1000 Genomes Project 0.00020.
gnomAD v4.1: 4 of 1,613,786 alleles (0.00025%); highest among the groups gnomAD compares: Admixed American, 0.0067%; no homozygotes.

Submission:

Labcorp Genetics (formerly Invitae), Labcorp
Classification: Uncertain significance. Last evaluated: 2024-10-30. Review status: criteria provided, single submitter. Criteria: Invitae Variant Classification Sherloc (09022015). Collection method: clinical testing. Allele origin: germline.
Comment: This sequence change replaces aspartic acid, which is acidic and polar, with histidine, which is basic and polar, at codon 241 of the CACNA2D4 protein (p.Asp241His). This variant is present in population databases (rs199921731, gnomAD 0.006%). This variant has not been reported in the literature in individuals affected with CACNA2D4-related conditions. ClinVar contains an entry for this variant (Variation ID: 1896936). An algorithm developed to predict the effect of missense changes on protein structure and function (PolyPhen-2) suggests that this variant is likely to be disruptive. In summary, the available evidence is currently insufficient to determine the role of this variant in disease. Therefore, it has been classified as a Variant of Uncertain Significance.

NM_172364.5(CACNA2D4):c.721G>C (p.Asp241His)

Gene: CACNA2D4 (calcium voltage-gated channel auxiliary subunit alpha2delta 4; minus strand). Cytogenetic location: 12p13.33.
Variant type: single nucleotide variant.
Coding change: c.721G>C on transcript NM_172364.5 (MANE Select); coding-DNA position 721, G replaced by C.
Protein change: p.Asp241His; replaces aspartic acid 241 with histidine.
Molecular consequence: missense variant.
Genome position (GRCh38, 1-based): chr12:1,907,500, C>G on the plus strand (G>C on the coding strand, the complement: CACNA2D4 is on the minus strand). VCF-style: chr12-1907500-C-G. GRCh37 (hg19) VCF-style: chr12-2016666-C-G.
Other names: short protein forms D241H.
Identifiers: ClinVar variation 1896936 (VCV001896936.4), dbSNP rs199921731, ClinGen allele CA6387431.